The following is an entry in ClinVar:

NM_012106.4(ARL2BP):c.7G>A (p.Ala3Thr)

Gene: ARL2BP (ARF like GTPase 2 binding protein; plus strand). Cytogenetic location: 16q13.
Variant type: single nucleotide variant.
Coding change: c.7G>A on transcript NM_012106.4 (MANE Select); coding-DNA position 7, G replaced by A.
Protein change: p.Ala3Thr; replaces alanine 3 with threonine.
Molecular consequence: missense variant.
Genome position (GRCh38, 1-based): chr16:57,245,374, G>A. VCF-style: chr16-57245374-G-A. GRCh37 (hg19) VCF-style: chr16-57279286-G-A.
Other names: short protein forms A3T.
Identifiers: ClinVar variation 1490084 (VCV001490084.8), dbSNP rs2075386761, ClinGen allele CA396023866.

ClinVar aggregate classification (germline): Uncertain significance (1 of 4 stars; one submission).

Allele frequency attached by ClinVar (database versions not stated): TOPMed below 0.00001.

Submission:

Labcorp Genetics (formerly Invitae), Labcorp
Classification: Uncertain significance. Last evaluated: 2021-01-02. Review status: criteria provided, single submitter. Criteria: Invitae Variant Classification Sherloc (09022015). Collection method: clinical testing. Allele origin: germline.
Comment: In summary, the available evidence is currently insufficient to determine the role of this variant in disease. Therefore, it has been classified as a Variant of Uncertain Significance. Algorithms developed to predict the effect of missense changes on protein structure and function output the following: SIFT: "Tolerated"; PolyPhen-2: "Not Available"; Align-GVGD: "Class C0". The threonine amino acid residue is found in multiple mammalian species, suggesting that this missense change does not adversely affect protein function. These predictions have not been confirmed by published functional studies and their clinical significance is uncertain. This variant has not been reported in the literature in individuals with ARL2BP-related conditions. This variant is not present in population databases (ExAC no frequency). This sequence change replaces alanine with threonine at codon 3 of the ARL2BP protein (p.Ala3Thr). The alanine residue is weakly conserved and there is a small physicochemical difference between alanine and threonine.